The following is an entry in ClinVar:

ClinVar aggregate classification (germline): Likely benign. Review status: criteria provided, single submitter (1 of 4 stars). 2 submissions from 2 submitters: Likely benign (1). 1 of the submissions does not count toward it. Last evaluated 2025-11-17.

Conditions:
PLOD3-related disorder. Also called: PLOD3-related condition.

Allele frequency attached by ClinVar (database versions not stated): gnomAD exomes 0.00004; ExAC 0.00017; TOPMed 0.00040; gnomAD 0.00041; 1000 Genomes Project 30x 0.00047; 1000 Genomes Project 0.00060; ESP Exome Variant Server 0.00062.
gnomAD v4.1: 117 of 1,613,850 alleles (0.0072%); highest among the groups gnomAD compares: African/African-American, 0.13%; no homozygotes.

Submissions (2):

Labcorp Genetics (formerly Invitae), Labcorp
Classification: Likely benign. Last evaluated: 2025-11-17. Review status: criteria provided, single submitter. Criteria: Invitae Variant Classification Sherloc (09022015). Collection method: clinical testing. Allele origin: germline.

PreventionGenetics, part of Exact Sciences
Classification: Likely benign for PLOD3-related condition. Last evaluated: 2022-04-06. Review status: no assertion criteria provided. Collection method: clinical testing. Allele origin: germline. Not counted in ClinVar's aggregate classification.
Comment: This variant is classified as likely benign based on ACMG/AMP sequence variant interpretation guidelines (Richards et al. 2015 PMID: 25741868, with internal and published modifications).

NM_001084.5(PLOD3):c.903C>T (p.Ala301=)

Gene: PLOD3 (procollagen-lysine,2-oxoglutarate 5-dioxygenase 3; minus strand). Cytogenetic location: 7q22.1.
Variant type: single nucleotide variant.
Coding change: c.903C>T on transcript NM_001084.5 (MANE Select); coding-DNA position 903, C replaced by T.
Protein change: p.Ala301=; no amino-acid change (alanine 301 retained).
Molecular consequence: synonymous variant.
Genome position (GRCh38, 1-based): chr7:101,212,632, G>A on the plus strand (C>T on the coding strand, the complement: PLOD3 is on the minus strand). VCF-style: chr7-101212632-G-A. GRCh37 (hg19) VCF-style: chr7-100855913-G-A.
Other names: c.903C>T (NM_001084.4).
Identifiers: ClinVar variation 2163905 (VCV002163905.6), dbSNP rs150312907, ClinGen allele CA4407939.
Genomic context (GRCh38, chr7:101,212,632, plus strand): 5'-CAGGAGTAGCAGCCGCTGCAGGAAGCGGGGCAGAAACGGAGTAGGCTGTTCCACAAACAC[G>A]GCCAGAAACACCCGGGGGGGAGGCTGGAAGATGCAACACGCAGGGACTCAGAGAGAAGCC-3'
Protein context (NP_001075.1, residues 291-311): GGQPPPRVFL[Ala301=]VFVEQPTPFL